The following is an entry in ClinVar:

NM_145059.3(FCSK):c.506G>A (p.Arg169Gln)

Gene: FCSK (fucose kinase; plus strand). Cytogenetic location: 16q22.1.
Variant type: single nucleotide variant.
Coding change: c.506G>A on transcript NM_145059.3 (MANE Select); coding-DNA position 506, G replaced by A.
Protein change: p.Arg169Gln; replaces arginine 169 with glutamine.
Molecular consequence: missense variant.
Genome position (GRCh38, 1-based): chr16:70,467,395, G>A. VCF-style: chr16-70467395-G-A. GRCh37 (hg19) VCF-style: chr16-70501298-G-A.
Other names: short protein forms R169Q.
Identifiers: ClinVar variation 2627855 (VCV002627855.4), dbSNP rs754115396, ClinGen allele CA8142967.

ClinVar aggregate classification (germline): Uncertain significance. Review status: criteria provided, multiple submitters, no conflicts (2 of 4 stars). 2 submissions from 2 submitters: Uncertain significance (2). Last evaluated 2023-02-11.

Conditions:
Neurodevelopmental disorder. Identifiers: MedGen C1535926, MeSH D065886, MONDO:0700092.

Allele frequency attached by ClinVar (database versions not stated): ExAC 0.00001; gnomAD exomes 0.00001; TOPMed 0.00002; gnomAD 0.00003.
gnomAD v4.1: 15 of 1,609,850 alleles (0.00093%); highest among the groups gnomAD compares: Non-Finnish European, 0.0012%; no homozygotes.

Submissions (2):

Labcorp Genetics (formerly Invitae), Labcorp
Classification: Uncertain significance. Last evaluated: 2023-02-11. Review status: criteria provided, single submitter. Criteria: Invitae Variant Classification Sherloc (09022015). Collection method: clinical testing. Allele origin: germline.
Comment: In summary, the available evidence is currently insufficient to determine the role of this variant in disease. Therefore, it has been classified as a Variant of Uncertain Significance. This variant has not been reported in the literature in individuals affected with FUK-related conditions. Algorithms developed to predict the effect of missense changes on protein structure and function output the following: SIFT: "Tolerated"; PolyPhen-2: "Benign"; Align-GVGD: "Class C0". The glutamine amino acid residue is found in multiple mammalian species, which suggests that this missense change does not adversely affect protein function. The frequency data for this variant in the population databases is considered unreliable, as metrics indicate poor data quality at this position in the gnomAD database. This sequence change replaces arginine, which is basic and polar, with glutamine, which is neutral and polar, at codon 169 of the FUK protein (p.Arg169Gln).

Laboratory of Molecular Genetics (Pr. Bezieau's lab), CHU de Nantes
Classification: Uncertain significance for Neurodevelopmental disorder. Last evaluated: 2023-01-17. Review status: criteria provided, single submitter. Criteria: ACMG Guidelines, 2015. Collection method: clinical testing. Allele origin: germline. Affected: yes.